The following is an entry in ClinVar:

ClinVar aggregate classification (germline): Uncertain significance (1 of 4 stars; one submission).

Conditions:
Inborn genetic diseases. Identifiers: MedGen C0950123, MeSH D030342.

Submission:

Ambry Genetics
Classification: Uncertain significance for Inborn genetic diseases. Last evaluated: 2025-10-13. Review status: criteria provided, single submitter. Criteria: Ambry Variant Classification Scheme 2023. Collection method: clinical testing. Allele origin: germline.
Comment: The p.H349Y variant (also known as c.1045C>T), located in coding exon 9 of the ANKRD26 gene, results from a C to T substitution at nucleotide position 1045. The histidine at codon 349 is replaced by tyrosine, an amino acid with similar properties. This amino acid position is conserved. In addition, this alteration is predicted to be tolerated by in silico analysis. Based on the available evidence, the clinical significance of this variant remains unclear.

NM_014915.3(ANKRD26):c.1045C>T (p.His349Tyr)

Gene: ANKRD26 (ankyrin repeat domain 26; minus strand). Cytogenetic location: 10p12.1.
Variant type: single nucleotide variant.
Coding change: c.1045C>T on transcript NM_014915.3 (MANE Select); coding-DNA position 1045, C replaced by T.
Protein change: p.His349Tyr; replaces histidine 349 with tyrosine.
Molecular consequence: missense variant.
Genome position (GRCh38, 1-based): chr10:27,077,370, G>A on the plus strand (C>T on the coding strand, the complement: ANKRD26 is on the minus strand). VCF-style: chr10-27077370-G-A. GRCh37 (hg19) VCF-style: chr10-27366299-G-A.
Other names: c.1045C>T, p.His349Tyr (NM_001256053.2); short protein forms H349Y.
Identifiers: ClinVar variation 4579357 (VCV004579357.1).
Genomic context (GRCh38, chr10:27,077,370, plus strand): 5'-GAAAAAAGTTTTTTAAAAAACAACTTACCTTCATAAGACCAGGGTTTGCTAACGACTTGT[G>A]GGAAGGTTTTGGAAGAAGGTCAGGTGATTGATAGGTAGGATGAGAAAAGCACTGGACTTT-3'
Protein context (NP_055730.2, residues 339-359): QSPDLLPKPS[His349Tyr]KSLANPGLMK